The following is an entry in ClinVar:

ClinVar aggregate classification (germline): Uncertain significance. Review status: criteria provided, multiple submitters, no conflicts (2 of 4 stars). 2 submissions from 2 submitters: Uncertain significance (2). Last evaluated 2024-07-05.

Conditions:
ALG9 congenital disorder of glycosylation (CDG1L). Also called: ALG9-CDG; CDG Il; CONGENITAL DISORDER OF GLYCOSYLATION, TYPE Il. Identifiers: Orphanet 79328, MedGen C2931006, MONDO:0012117, OMIM 608776.

Allele frequency attached by ClinVar (database versions not stated): gnomAD 0.00001; gnomAD exomes 0.00001 and 0.00002; TOPMed 0.00001.
gnomAD v4.1: 31 of 1,614,056 alleles (0.0019%); highest among the groups gnomAD compares: Non-Finnish European, 0.0022%; no homozygotes.

Submissions (2):

GeneDx
Classification: Uncertain significance. Last evaluated: 2024-07-05. Review status: criteria provided, single submitter. Criteria: GeneDx Variant Classification Process June 2021. Collection method: clinical testing. Allele origin: germline. Affected: yes.
Comment: Not observed at significant frequency in large population cohorts (gnomAD); In silico analysis supports that this missense variant has a deleterious effect on protein structure/function; Has not been previously published as pathogenic or benign to our knowledge

Labcorp Genetics (formerly Invitae), Labcorp
Classification: Uncertain significance for ALG9 congenital disorder of glycosylation. Last evaluated: 2021-12-29. Review status: criteria provided, single submitter. Criteria: Invitae Variant Classification Sherloc (09022015). Collection method: clinical testing. Allele origin: germline.
Comment: This sequence change replaces threonine, which is neutral and polar, with alanine, which is neutral and non-polar, at codon 376 of the ATP6V0A2 protein (p.Thr376Ala). This variant is present in population databases (no rsID available, gnomAD 0.002%). This variant has not been reported in the literature in individuals affected with ATP6V0A2-related conditions. ClinVar contains an entry for this variant (Variation ID: 1207596). Algorithms developed to predict the effect of missense changes on protein structure and function are either unavailable or do not agree on the potential impact of this missense change (SIFT: "Deleterious"; PolyPhen-2: "Possibly Damaging"; Align-GVGD: "Class C0"). In summary, the available evidence is currently insufficient to determine the role of this variant in disease. Therefore, it has been classified as a Variant of Uncertain Significance.

NM_012463.4(ATP6V0A2):c.1126A>G (p.Thr376Ala)

Gene: ATP6V0A2 (ATPase H+ transporting V0 subunit a2; plus strand). Cytogenetic location: 12q24.31.
Variant type: single nucleotide variant.
Coding change: c.1126A>G on transcript NM_012463.4 (MANE Select); coding-DNA position 1126, A replaced by G.
Protein change: p.Thr376Ala; replaces threonine 376 with alanine.
Molecular consequence: missense variant.
Genome position (GRCh38, 1-based): chr12:123,743,872, A>G. VCF-style: chr12-123743872-A-G. GRCh37 (hg19) VCF-style: chr12-124228419-A-G.
Other names: short protein forms T376A.
Identifiers: ClinVar variation 1207596 (VCV001207596.7), dbSNP rs1381866878, ClinGen allele CA387155647.